The following is an entry in ClinVar:

NM_000071.3(CBS):c.1561del (p.Thr521fs)

Gene: CBS (cystathionine beta-synthase; minus strand). Cytogenetic location: 21q22.3.
Variant type: Deletion.
Coding change: c.1561del on transcript NM_000071.3 (MANE Select); coding-DNA position 1561, one base deleted (A; older notation c.1561delA).
Protein change: p.Thr521fs; shifts the reading frame from threonine 521.
Molecular consequence: frameshift variant.
Genome position (GRCh38, 1-based): chr21:43,053,975, T deleted on the plus strand (A on the coding strand, the reverse complement: CBS is on the minus strand). VCF-style (leftmost placement, unchanged base first): chr21-43053974-GT-G. GRCh37 (hg19) VCF-style: chr21-44474084-GT-G.
Other names: c.1561del, p.Thr521fs (NM_001178008.3, NM_001178009.3, NM_001320298.2); c.1246del, p.Thr416fs (NM_001321072.1); short protein forms T416fs, T521fs.
Identifiers: ClinVar variation 2839950 (VCV002839950.3), dbSNP rs2517366385, ClinGen allele CA2739267642.

ClinVar aggregate classification (germline): Pathogenic (1 of 4 stars; one submission).

Conditions:
HYPERHOMOCYSTEINEMIA, THROMBOTIC, CBS-RELATED. Identifiers: MedGen C3150344, OMIM 236200.

Submission:

Labcorp Genetics (formerly Invitae), Labcorp
Classification: Pathogenic for HYPERHOMOCYSTEINEMIA, THROMBOTIC, CBS-RELATED. Last evaluated: 2023-02-22. Review status: criteria provided, single submitter. Criteria: Invitae Variant Classification Sherloc (09022015). Collection method: clinical testing. Allele origin: germline.
Comment: This variant disrupts a region of the CBS protein in which other variant(s) (p.Lys523Serfs*18) have been determined to be pathogenic (PMID: 12815602, 21520339, 25044645). This suggests that this is a clinically significant region of the protein, and that variants that disrupt it are likely to be disease-causing. This variant has not been reported in the literature in individuals affected with CBS-related conditions. This variant is not present in population databases (gnomAD no frequency). This sequence change creates a premature translational stop signal (p.Thr521Profs*20) in the CBS gene. While this is not anticipated to result in nonsense mediated decay, it is expected to disrupt the last 31 amino acid(s) of the CBS protein. For these reasons, this variant has been classified as Pathogenic.

Literature cited by the submitters: PubMed 12815602; PubMed 21520339; PubMed 25044645.